The following is an entry in ClinVar:

NM_001382391.1(CSPP1):c.2855T>C (p.Ile952Thr)

Gene: CSPP1 (centrosome and spindle pole associated protein 1; plus strand). Cytogenetic location: 8q13.2.
Variant type: single nucleotide variant.
Coding change: c.2855T>C on transcript NM_001382391.1 (MANE Select); coding-DNA position 2855, T replaced by C.
Protein change: p.Ile952Thr; replaces isoleucine 952 with threonine.
Molecular consequence: missense variant.
Genome position (GRCh38, 1-based): chr8:67,172,442, T>C. VCF-style: chr8-67172442-T-C. GRCh37 (hg19) VCF-style: chr8-68084677-T-C.
Other names: c.1805T>C, p.Ile602Thr (NM_001291339.2); c.2774T>C, p.Ile925Thr (NM_001363131.2); c.2660T>C, p.Ile887Thr (NM_001363132.2); c.2579T>C, p.Ile860Thr (NM_001363133.2); c.2921T>C, p.Ile974Thr (NM_001364869.1); c.2741T>C, p.Ile914Thr (NM_001364870.1); c.2840T>C, p.Ile947Thr (NM_024790.7); short protein forms I914T, I887T, I952T, I602T, I860T, I947T, I974T, I925T.
Identifiers: ClinVar variation 2913992 (VCV002913992.3), dbSNP rs907738724, ClinGen allele CA178199073.

ClinVar aggregate classification (germline): Uncertain significance (1 of 4 stars; one submission).

Conditions:
Joubert syndrome 21 (JBTS21). Identifiers: MedGen C3810212, MONDO:0014288, OMIM 615636.

Allele frequency attached by ClinVar (database versions not stated): gnomAD exomes below 0.00001; TOPMed below 0.00001.
gnomAD v4.1: 1 of 1,613,192 alleles (0.000062%); highest among the groups gnomAD compares: Non-Finnish European, 0.000085%; no homozygotes.

Submission:

Labcorp Genetics (formerly Invitae), Labcorp
Classification: Uncertain significance for Joubert syndrome 21. Last evaluated: 2024-09-05. Review status: criteria provided, single submitter. Criteria: Invitae Variant Classification Sherloc (09022015). Collection method: clinical testing. Allele origin: germline.
Comment: This sequence change replaces isoleucine, which is neutral and non-polar, with threonine, which is neutral and polar, at codon 947 of the CSPP1 protein (p.Ile947Thr). This variant is not present in population databases (gnomAD no frequency). This variant has not been reported in the literature in individuals affected with CSPP1-related conditions. An algorithm developed to predict the effect of missense changes on protein structure and function (PolyPhen-2) suggests that this variant is likely to be tolerated. In summary, the available evidence is currently insufficient to determine the role of this variant in disease. Therefore, it has been classified as a Variant of Uncertain Significance.